The following is an entry in ClinVar:

ClinVar aggregate classification (germline): Pathogenic/Likely pathogenic. Review status: criteria provided, multiple submitters, no conflicts (2 of 4 stars). 3 submissions from 3 submitters: Pathogenic (1); Likely pathogenic (1). 1 of the submissions does not count toward it. Last evaluated 2024-10-24.

Conditions:
RS1-related disorder. Also called: RS1-related condition.

Submissions (3):

Labcorp Genetics (formerly Invitae), Labcorp
Classification: Pathogenic. Last evaluated: 2024-10-24. Review status: criteria provided, single submitter. Criteria: Invitae Variant Classification Sherloc (09022015). Collection method: clinical testing. Allele origin: germline.
Comment: This sequence change creates a premature translational stop signal (p.Gln154*) in the RS1 gene. It is expected to result in an absent or disrupted protein product. Loss-of-function variants in RS1 are known to be pathogenic (PMID: 9618178, 17172462). This variant is not present in population databases (gnomAD no frequency). This premature translational stop signal has been observed in individual(s) with X-linked retinoschisis (PMID: 9618178). ClinVar contains an entry for this variant (Variation ID: 98967). For these reasons, this variant has been classified as Pathogenic.

Blueprint Genetics
Classification: Likely pathogenic for RS1-related disorders. Last evaluated: 2018-07-23. Review status: criteria provided, single submitter. Criteria: ACMG Guidelines, 2015. Collection method: clinical testing. Allele origin: germline. Affected: yes. Observed: 1 variant allele.

Retina International
No classification provided. Review status: no classification provided. Collection method: not provided. Allele origin: unknown. Not counted in ClinVar's aggregate classification.

Literature cited by the submitters: PubMed 9618178 (cited by Labcorp Genetics (formerly Invitae), Labcorp); PubMed 17172462 (cited by Labcorp Genetics (formerly Invitae), Labcorp).

NM_000330.4(RS1):c.460C>T (p.Gln154Ter)

Genes: CDKL5 (cyclin dependent kinase like 5; plus strand), RS1 (retinoschisin 1; minus strand). Cytogenetic location: Xp22.13.
Variant type: single nucleotide variant.
Coding change: c.460C>T on transcript NM_000330.4 (MANE Select); coding-DNA position 460, C replaced by T.
Protein change: p.Gln154Ter; replaces glutamine 154 with a stop codon.
Molecular consequence: nonsense. On other transcripts: intron variant (2).
Genome position (GRCh38, 1-based): chrX:18,644,492, G>A on the plus strand (C>T on the coding strand, the complement: RS1 is on the minus strand). VCF-style: chrX-18644492-G-A. GRCh37 (hg19) VCF-style: chrX-18662612-G-A.
Other names: c.2714-1515G>A (NM_003159.3, NM_001037343.2); short protein forms Q154*.
Identifiers: ClinVar variation 98967 (VCV000098967.8), dbSNP rs61753164, ClinGen allele CA226744.